The following is an entry in ClinVar:

ClinVar aggregate classification (germline): Uncertain significance (1 of 4 stars; one submission).

Conditions:
Supravalvar aortic stenosis (SVAS). Also called: Supravalvar aortic stenosis, Eisenberg type. Identifiers: Orphanet 3193, MedGen C0003499, MONDO:0008504, OMIM 185500, HP:0004381.

Submission:

Labcorp Genetics (formerly Invitae), Labcorp
Classification: Uncertain significance for Supravalvar aortic stenosis. Last evaluated: 2023-04-12. Review status: criteria provided, single submitter. Criteria: Invitae Variant Classification Sherloc (09022015). Collection method: clinical testing. Allele origin: germline.
Comment: This variant, c.1521_1556del, results in the deletion of 12 amino acid(s) of the ELN protein (p.Val514_Gly525del), but otherwise preserves the integrity of the reading frame. This variant is present in population databases (no rsID available, gnomAD 0.003%). This variant has not been reported in the literature in individuals affected with ELN-related conditions. Experimental studies and prediction algorithms are not available or were not evaluated, and the functional significance of this variant is currently unknown. In summary, the available evidence is currently insufficient to determine the role of this variant in disease. Therefore, it has been classified as a Variant of Uncertain Significance.

NM_000501.4(ELN):c.1434_1469del (p.479VAPGVG[1])

Genes: ELN-AS1 (ELN antisense RNA 1; minus strand), ELN (elastin; plus strand). Cytogenetic location: 7q11.23.
Variant type: Deletion.
Coding change: c.1434_1469del on transcript NM_000501.4 (MANE Select); coding-DNA positions 1434 to 1469, 36 bases deleted.
Protein change: p.479VAPGVG[1].
Molecular consequence: inframe deletion. On other transcripts: non-coding transcript variant (1).
Genome position (GRCh38, 1-based): chr7:74,059,905-74,059,940, 36 bases deleted; deleting any 36 consecutive bases within chr7:74,059,893-74,059,940 gives the same sequence; the c. name uses the placement nearest the transcript's 3' end. GRCh37 (hg19): chr7:73,474,235-73,474,270.
Other names: c.1347_1382del, p.450VAPGVG[1] (NM_001081752.3); c.1392_1427del, p.465VAPGVG[1] (NM_001081753.3); c.1449_1484del, p.484VAPGVG[1] (NM_001081754.3); c.1377_1412del, p.460VAPGVG[1] (NM_001081755.3); c.1434_1469del, p.479VAPGVG[1] (NM_001278912.2); c.1191_1226del, p.398VAPGVG[1] (NM_001278913.2); c.1362_1397del, p.455VAPGVG[1] (NM_001278914.2); c.1452_1487del, p.485VAPGVG[1] (NM_001278915.2); and 4 more.
Identifiers: ClinVar variation 2900658 (VCV002900658.3), dbSNP rs1563851811, ClinGen allele CA4293055.